The following is an entry in ClinVar:

ClinVar aggregate classification (germline): Uncertain significance (1 of 4 stars; one submission).

Conditions:
Severe early-onset pulmonary alveolar proteinosis due to MARS deficiency. Also called: PULMONARY ALVEOLAR PROTEINOSIS, REUNION ISLAND; Interstitial lung and liver disease. Identifiers: Orphanet 440427, MedGen C4225400, MONDO:0014206, OMIM 615486.
Charcot-Marie-Tooth disease axonal type 2U. Also called: CHARCOT-MARIE-TOOTH NEUROPATHY, TYPE 2U; CHARCOT-MARIE-TOOTH DISEASE, AXONAL, AUTOSOMAL DOMINANT, TYPE 2U. Identifiers: Orphanet 397735, MedGen C4084821, MONDO:0014566, OMIM 616280.

Allele frequency attached by ClinVar (database versions not stated): ExAC 0.00001; 1000 Genomes Project 30x 0.00016; 1000 Genomes Project 0.00020.
gnomAD v4.1: 2 of 1,613,848 alleles (0.00012%); highest among the groups gnomAD compares: Non-Finnish European, 0.00017%; no homozygotes.

Submission:

Labcorp Genetics (formerly Invitae), Labcorp
Classification: Uncertain significance for Charcot-Marie-Tooth disease axonal type 2U; Severe early-onset pulmonary alveolar proteinosis due to MARS deficiency. Last evaluated: 2023-02-18. Review status: criteria provided, single submitter. Criteria: Invitae Variant Classification Sherloc (09022015). Collection method: clinical testing. Allele origin: germline.
Comment: An algorithm developed to predict the effect of missense changes on protein structure and function (PolyPhen-2) suggests that this variant is likely to be tolerated. This variant has not been reported in the literature in individuals affected with MARS-related conditions. This variant is present in population databases (rs540781909, gnomAD 0.0009%). This sequence change replaces serine, which is neutral and polar, with arginine, which is basic and polar, at codon 55 of the MARS protein (p.Ser55Arg). In summary, the available evidence is currently insufficient to determine the role of this variant in disease. Therefore, it has been classified as a Variant of Uncertain Significance.

NM_004990.4(MARS1):c.165C>G (p.Ser55Arg)

Gene: MARS1 (methionyl-tRNA synthetase 1; plus strand). Cytogenetic location: 12q13.3.
Variant type: single nucleotide variant.
Coding change: c.165C>G on transcript NM_004990.4 (MANE Select); coding-DNA position 165, C replaced by G.
Protein change: p.Ser55Arg; replaces serine 55 with arginine.
Molecular consequence: missense variant.
Genome position (GRCh38, 1-based): chr12:57,489,074, C>G. VCF-style: chr12-57489074-C-G. GRCh37 (hg19) VCF-style: chr12-57882857-C-G.
Other names: short protein forms S55R.
Identifiers: ClinVar variation 2931050 (VCV002931050.3), dbSNP rs540781909, ClinGen allele CA6650058.
Genomic context (GRCh38, chr12:57,489,074, plus strand): 5'-ATCAGATTGTGTGGTCCCGTTCCTGACCCGGCCTAAGGTCCCTGTCTTGCAGCTGGATAG[C>G]GGCAACTACCTCTTCTCCACTAGTGCAATCTGCCGGTCAGTATTGGTCCTTGGTGTAGGG-3'
Protein context (NP_004981.2, residues 45-65): RPKVPVLQLD[Ser55Arg]GNYLFSTSAI